The following is an entry in ClinVar:

NM_020297.4(ABCC9):c.2684C>A (p.Thr895Asn)

Gene: ABCC9 (ATP binding cassette subfamily C member 9; minus strand). Cytogenetic location: 12p12.1.
Variant type: single nucleotide variant.
Coding change: c.2684C>A on transcript NM_020297.4 (MANE Select); coding-DNA position 2684, C replaced by A.
Protein change: p.Thr895Asn; replaces threonine 895 with asparagine.
Molecular consequence: missense variant.
Genome position (GRCh38, 1-based): chr12:21,852,182, G>T on the plus strand (C>A on the coding strand, the complement: ABCC9 is on the minus strand). VCF-style: chr12-21852182-G-T. GRCh37 (hg19) VCF-style: chr12-22005116-G-T.
Other names: c.2684C>A, p.Thr895Asn (NM_001377273.1, NM_005691.4); c.1817C>A, p.Thr606Asn (NM_001377274.1); short protein forms T895N, T606N.
Identifiers: ClinVar variation 3404962 (VCV003404962.1).

ClinVar aggregate classification (germline): Uncertain significance (1 of 4 stars; one submission).

Conditions:
Cardiovascular phenotype. Identifiers: MedGen CN230736.

gnomAD v4.1: 1 of 1,613,688 alleles (0.000062%); highest among the groups gnomAD compares: South Asian, 0.0011%; no homozygotes.

Submission:

Ambry Genetics
Classification: Uncertain significance for Cardiovascular phenotype. Last evaluated: 2024-08-16. Review status: criteria provided, single submitter. Criteria: Ambry Variant Classification Scheme 2023. Collection method: clinical testing. Allele origin: germline.
Comment: The p.T895N variant (also known as c.2684C>A), located in coding exon 22 of the ABCC9 gene, results from a C to A substitution at nucleotide position 2684. The threonine at codon 895 is replaced by asparagine, an amino acid with similar properties. This amino acid position is highly conserved in available vertebrate species. In addition, the in silico prediction for this alteration is inconclusive. Based on the available evidence, the clinical significance of this variant remains unclear.